The following is an entry in ClinVar:

NM_016507.4(CDK12):c.4388C>T (p.Thr1463Ile)

Gene: CDK12 (cyclin dependent kinase 12; plus strand). Cytogenetic location: 17q12.
Variant type: single nucleotide variant.
Coding change: c.4388C>T on transcript NM_016507.4 (MANE Select); coding-DNA position 4388, C replaced by T.
Protein change: p.Thr1463Ile; replaces threonine 1463 with isoleucine.
Molecular consequence: missense variant.
Genome position (GRCh38, 1-based): chr17:39,531,231, C>T. VCF-style: chr17-39531231-C-T. GRCh37 (hg19) VCF-style: chr17-37687484-C-T.
Other names: c.4361C>T, p.Thr1454Ile (NM_015083.4); short protein forms T1463I, T1454I.
Identifiers: ClinVar variation 4224205 (VCV004224205.1).

ClinVar aggregate classification (germline): Uncertain significance (1 of 4 stars; one submission).

gnomAD v4.1: 3 of 1,516,106 alleles (0.0002%); highest among the groups gnomAD compares: Non-Finnish European, 0.00026%; no homozygotes.

Submission:

Ambry Genetics
Classification: Uncertain significance. Last evaluated: 2025-06-21. Review status: criteria provided, single submitter. Criteria: Ambry Variant Classification Scheme 2023. Collection method: clinical testing. Allele origin: germline.
Comment: The p.T1463I variant (also known as c.4388C>T), located in coding exon 14 of the CDK12 gene, results from a C to T substitution at nucleotide position 4388. The threonine at codon 1463 is replaced by isoleucine, an amino acid with similar properties. This amino acid position is conserved. In addition, this alteration is predicted to be tolerated by in silico analysis. Based on the available evidence, the clinical significance of this variant remains unclear.